The following is an entry in ClinVar:

ClinVar aggregate classification (germline): Likely pathogenic (1 of 4 stars; one submission).

Submission:

Labcorp Genetics (formerly Invitae), Labcorp
Classification: Likely pathogenic. Last evaluated: 2020-12-11. Review status: criteria provided, single submitter. Criteria: Invitae Variant Classification Sherloc (09022015). Collection method: clinical testing. Allele origin: germline.
Comment: This sequence change affects a donor splice site in intron 4 of the VPS13A gene. It is expected to disrupt RNA splicing. Variants that disrupt the donor or acceptor splice site typically lead to a loss of protein function (PMID: 16199547), and loss-of-function variants in VPS13A are known to be pathogenic (PMID: 12404112, 21598378). This variant is not present in population databases (ExAC no frequency). This variant has not been reported in the literature in individuals with VPS13A-related conditions. Algorithms developed to predict the effect of sequence changes on RNA splicing suggest that this variant may disrupt the consensus splice site, but this prediction has not been confirmed by published transcriptional studies. In summary, the currently available evidence indicates that the variant is pathogenic, but additional data are needed to prove that conclusively. Therefore, this variant has been classified as Likely Pathogenic.

Literature cited by the submitters: PubMed 16199547; PubMed 12404112; PubMed 21598378.

NM_033305.3(VPS13A):c.283+2T>G

Gene: VPS13A (vacuolar protein sorting 13 homolog A; plus strand). Cytogenetic location: 9q21.2.
Variant type: single nucleotide variant.
Coding change: c.283+2T>G on transcript NM_033305.3 (MANE Select); the canonical splice donor site of the intron after coding-DNA position 283, T replaced by G.
Molecular consequence: splice donor variant.
Genome position (GRCh38, 1-based): chr9:77,205,410, T>G. VCF-style: chr9-77205410-T-G. GRCh37 (hg19) VCF-style: chr9-79820326-T-G.
Other names: c.283+2T>G (NM_001018037.2, NM_015186.4, NM_001018038.3).
Identifiers: ClinVar variation 1477966 (VCV001477966.8), dbSNP rs2131123295, ClinGen allele CA373841844.
Genomic context (GRCh38, chr9:77,205,410, plus strand): 5'-TACTCAACCTGTTGAAGCCGTATTGGAAGAAATTTATTTACTTATAGTGCCTTCTTCTAG[T>G]AAGTTAAATTTAAAAAAATTATAATTTAAGTTATTCTTTTTTATGGATGGAAAAATATTT-3'